The following is an entry in ClinVar:

ClinVar aggregate classification (germline): Uncertain significance (1 of 4 stars; one submission).

Allele frequency attached by ClinVar (database versions not stated): TOPMed below 0.00001; gnomAD 0.00001; gnomAD exomes 0.00002; ESP Exome Variant Server 0.00008; ExAC 0.00024.
gnomAD v4.1: 32 of 1,562,224 alleles (0.002%); highest among the groups gnomAD compares: South Asian, 0.028%; no homozygotes.

Submission:

Labcorp Genetics (formerly Invitae), Labcorp
Classification: Uncertain significance. Last evaluated: 2024-11-11. Review status: criteria provided, single submitter. Criteria: Invitae Variant Classification Sherloc (09022015). Collection method: clinical testing. Allele origin: germline.
Comment: This sequence change replaces aspartic acid, which is acidic and polar, with valine, which is neutral and non-polar, at codon 111 of the CREB3L1 protein (p.Asp111Val). This variant is present in population databases (rs368987287, gnomAD 0.02%). This variant has not been reported in the literature in individuals affected with CREB3L1-related conditions. ClinVar contains an entry for this variant (Variation ID: 1934462). An algorithm developed to predict the effect of missense changes on protein structure and function (PolyPhen-2) suggests that this variant is likely to be tolerated. In summary, the available evidence is currently insufficient to determine the role of this variant in disease. Therefore, it has been classified as a Variant of Uncertain Significance.

NM_052854.4(CREB3L1):c.332A>T (p.Asp111Val)

Gene: CREB3L1 (cAMP responsive element binding protein 3 like 1; plus strand). Cytogenetic location: 11p11.2.
Variant type: single nucleotide variant.
Coding change: c.332A>T on transcript NM_052854.4 (MANE Select); coding-DNA position 332, A replaced by T.
Protein change: p.Asp111Val; replaces aspartic acid 111 with valine.
Molecular consequence: missense variant.
Genome position (GRCh38, 1-based): chr11:46,307,816, A>T. VCF-style: chr11-46307816-A-T. GRCh37 (hg19) VCF-style: chr11-46329367-A-T.
Other names: short protein forms D111V.
Identifiers: ClinVar variation 1934462 (VCV001934462.5), dbSNP rs368987287, ClinGen allele CA5961549.
Genomic context (GRCh38, chr11:46,307,816, plus strand): 5'-GGCAGGCAGGGGGCTGAGACCTCTGCCCTAGAGTCCCCTGAGCCTTTCCCCTTCCCCTAG[A>T]TGCAGAGCATGGAGCATGGGCGCTGGGACACAAACTGTGCTCCATCATGGTGAAGCAGGA-3'
Protein context (NP_443086.1, residues 101-121): VPIKMEDTTQ[Asp111Val]AEHGAWALGH